The following is an entry in ClinVar:

ClinVar aggregate classification (germline): Benign/Likely benign. Review status: criteria provided, multiple submitters, no conflicts (2 of 4 stars). 9 submissions from 9 submitters: Benign (8); Likely benign (1). Last evaluated 2026-02-03.

Conditions:
Hereditary spastic paraplegia. Also called: Familial spastic paraparesis. Identifiers: Orphanet 685, MedGen C0037773, MONDO:0019064. Disease mechanism: loss of function.
Hereditary spastic paraplegia 7 (SPG7). Also called: SPG7-related neurologic disorder; Spastic paraplegia 7; Hereditary spastic paraplegia Paraplegin type; Autosomal recessive spastic paraplegia type 7; SPASTIC PARAPLEGIA 7, AUTOSOMAL RECESSIVE, WITH OR WITHOUT CEREBELLAR ATAXIA. Identifiers: Orphanet 99013, MedGen C1846564, MONDO:0011803, OMIM 607259.

Allele frequency attached by ClinVar (database versions not stated): 1000 Genomes Project 30x 0.01218; gnomAD exomes 0.02871; TOPMed 0.02894; gnomAD 0.02750 and 0.02864; ExAC 0.02947; ESP Exome Variant Server 0.03378; 1000 Genomes Project 0.01258.
gnomAD v4.1: 59,447 of 1,613,830 alleles (3.7%); highest among the groups gnomAD compares: Non-Finnish European, 4.3%; 1,277 homozygotes.

Submissions (9):

Labcorp Genetics (formerly Invitae), Labcorp
Classification: Benign for Hereditary spastic paraplegia 7. Last evaluated: 2026-02-03. Review status: criteria provided, single submitter. Criteria: Invitae Variant Classification Sherloc (09022015). Collection method: clinical testing. Allele origin: germline.

Blueprint Genetics
Classification: Likely benign. Last evaluated: 2024-11-27. Review status: criteria provided, single submitter. Criteria: ACMG Guidelines, 2015. Collection method: clinical testing. Allele origin: germline.

Mayo Clinic Laboratories, Mayo Clinic
Classification: Benign. Last evaluated: 2022-10-27. Review status: criteria provided, single submitter. Criteria: ACMG Guidelines, 2015. Collection method: clinical testing. Allele origin: germline. Observed: 197 variant alleles.

Genome Diagnostics Laboratory, The Hospital for Sick Children
Classification: Benign for Hereditary spastic paraplegia. Last evaluated: 2022-01-20. Review status: criteria provided, single submitter. Criteria: ACMG Guidelines, 2015. Collection method: clinical testing. Allele origin: germline. Affected: yes.

Illumina Laboratory Services, Illumina
Classification: Benign for Hereditary spastic paraplegia 7. Last evaluated: 2018-01-13. Review status: criteria provided, single submitter. Criteria: ICSL Variant Classification Criteria 13 December 2019. Collection method: clinical testing. Allele origin: germline.
Comment: This variant was observed in the ICSL laboratory as part of a predisposition screen in an ostensibly healthy population. It had not been previously curated by ICSL or reported in the Human Gene Mutation Database (HGMD: prior to June 1st, 2018), and was therefore a candidate for classification through an automated scoring system. Utilizing variant allele frequency, disease prevalence and penetrance estimates, and inheritance mode, an automated score was calculated to assess if this variant is too frequent to cause the disease. Based on the score and internal cut-off values, a variant classified as benign is not then subjected to further curation. The score for this variant resulted in a classification of benign for this disease.

Athena Diagnostics
Classification: Benign. Last evaluated: 2017-11-03. Review status: criteria provided, single submitter. Criteria: Athena Diagnostics Criteria. Collection method: clinical testing. Allele origin: germline.

GeneDx
Classification: Benign. Last evaluated: 2012-07-06. Review status: criteria provided, single submitter. Criteria: GeneDx Variant Classification (06012015). Collection method: clinical testing. Allele origin: germline. Affected: yes.
Comment: This variant is considered likely benign or benign based on one or more of the following criteria: it is a conservative change, it occurs at a poorly conserved position in the protein, it is predicted to be benign by multiple in silico algorithms, and/or has population frequency not consistent with disease.

Breakthrough Genomics
Classification: Benign. Review status: criteria provided, single submitter. Criteria: ACMG Guidelines, 2015. Collection method: not provided. Allele origin: germline. Inheritance: Autosomal recessive inheritance. Affected: yes.

PreventionGenetics, part of Exact Sciences
Classification: Benign. Review status: criteria provided, single submitter. Criteria: ACMG Guidelines, 2015. Collection method: clinical testing. Allele origin: germline.

NM_003119.4(SPG7):c.2292C>T (p.Ile764=)

Gene: SPG7 (SPG7 matrix AAA peptidase subunit, paraplegin; plus strand). Cytogenetic location: 16q24.3.
Variant type: single nucleotide variant.
Coding change: c.2292C>T on transcript NM_003119.4 (MANE Select); coding-DNA position 2292, C replaced by T.
Protein change: p.Ile764=; no amino-acid change (isoleucine 764 retained).
Molecular consequence: synonymous variant. On other transcripts: 3 prime UTR variant (1).
Genome position (GRCh38, 1-based): chr16:89,556,997, C>T. VCF-style: chr16-89556997-C-T. GRCh37 (hg19) VCF-style: chr16-89623405-C-T.
Other names: p.I764I:ATC>ATT; p.Ile764=; c.*70C>T (NM_001363850.1).
Identifiers: ClinVar variation 139250 (VCV000139250.23), dbSNP rs61747711, ClinGen allele CA293678.